The following is an entry in ClinVar:

NM_001374828.1(ARID1B):c.3857dup (p.Pro1287fs)

Gene: ARID1B (AT-rich interaction domain 1B; plus strand). Cytogenetic location: 6q25.3.
Variant type: Duplication.
Coding change: c.3857dup on transcript NM_001374828.1 (MANE Select); coding-DNA position 3857, one base duplicated (C; older notation c.3857dupC).
Protein change: p.Pro1287fs; shifts the reading frame from proline 1287.
Molecular consequence: frameshift variant.
Genome position (GRCh38, 1-based): chr6:157,184,373, C duplicated; the last of 5 consecutive C bases (chr6:157,184,369-157,184,373); duplicating any one gives the same sequence. VCF-style (leftmost placement, unchanged base first): chr6-157184368-G-GC. GRCh37 (hg19) VCF-style: chr6-157505502-G-GC.
Other names: c.1358dup, p.Pro454fs (NM_001363725.2); c.3737dup, p.Pro1247fs (NM_001371656.1, NM_001374820.1); c.3986dup, p.Pro1330fs (NM_001438482.1); c.3899dup, p.Pro1301fs (NM_001438483.1); c.3767dup, p.Pro1257fs (NM_001438485.1); c.3740dup, p.Pro1248fs (NM_001438486.1); c.3677dup, p.Pro1227fs (NM_001438487.1); c.1199dup, p.Pro401fs (NM_001438488.1); and 1 more; short protein forms P1227fs, P1234fs, P1247fs, P1248fs, P1257fs, P1287fs, P1301fs, P1330fs.
Identifiers: ClinVar variation 4533276 (VCV004533276.1).

ClinVar aggregate classification (germline): Likely pathogenic (1 of 4 stars; one submission).

Conditions:
Coffin-Siris syndrome 1 (CSS1). Also called: Mental retardation, autosomal dominant 12; ARID1B-Related Coffin-Siris Syndrome. Identifiers: Orphanet 1465, MedGen C3281201, MONDO:0007617, OMIM 135900. Disease mechanism: gain of function.

Submission:

Diagnostics Services (NGS), CSIR - Centre For Cellular And Molecular Biology
Classification: Likely pathogenic for Coffin-Siris syndrome 1. Last evaluated: 2025-11-11. Review status: criteria provided, single submitter. Criteria: ACMG Guidelines, 2015. Collection method: clinical testing. Allele origin: germline. Affected: yes. Observed: 1 variant allele, 1 heterozygote.
Comment: The c.3857dup variant is not present in publicly available population databases like 1000 Genomes, EVS, gnomAD, Indian Exome Database or our internal database. This variant has neither been published in the literature for ARID1B-related conditions nor reported to clinical databases like Human Genome Mutation database (HGMD), OMIM, or ClinVar, in any affected individuals. In-silico pathogenicity prediction programs like MutationTaster2021, CADD, Franklin, Varsome etc predicted this variant to be likely deleterious. This variant causes frameshift at the 1287th amino acid position of the wild-type transcript that creates a premature translational stop signal at the altered transcript that may either result in translation of a truncated protein or cause nonsense mediated decay of the mRNA.